The following is an entry in ClinVar:

NC_000003.11:g.(?_81539558)_(81720124_?)del

Gene: GBE1 (1,4-alpha-glucan branching enzyme 1; minus strand). Cytogenetic location: 3p12.2.
Variant type: Deletion.
Identifiers: ClinVar variation 3246830 (VCV003246830.1).

ClinVar aggregate classification (germline): Pathogenic (1 of 4 stars; one submission).

Conditions:
Glycogen storage disease IV, classic hepatic. Also called: GSD IV, CLASSIC HEPATIC. Identifiers: MedGen C1856301.
Glycogen storage disease, type IV (GSD4). Also called: AMYLOPECTINOSIS; ANDERSEN DISEASE; BRANCHER DEFICIENCY; CIRRHOSIS, FAMILIAL, WITH DEPOSITION OF ABNORMAL GLYCOGEN; GBE1 DEFICIENCY; GLYCOGEN BRANCHING ENZYME DEFICIENCY. Identifiers: Orphanet 367, MedGen C0017923, MONDO:0009292, OMIM 232500.

Submission:

Labcorp Genetics (formerly Invitae), Labcorp
Classification: Pathogenic for Glycogen storage disease, type IV; Glycogen storage disease IV, classic hepatic. Last evaluated: 2022-11-18. Review status: criteria provided, single submitter. Criteria: Invitae Variant Classification Sherloc (09022015). Collection method: clinical testing. Allele origin: unknown.
Comment: For these reasons, this variant has been classified as Pathogenic. This variant disrupts a region of the GBE1 protein in which other variant(s) (p.His628Arg) have been determined to be pathogenic (PMID: 15452297, 26886200, 27243974, 33332610). This suggests that this is a clinically significant region of the protein, and that variants that disrupt it are likely to be disease-causing. This variant has not been reported in the literature in individuals affected with GBE1-related conditions. This variant is a gross deletion of the genomic region encompassing exon(s) 3-16 of the GBE1 gene, which includes the termination codon. This deletion extends beyond the assayed region for this gene and therefore may encompass additional genes. While this deletion is not anticipated to lead to nonsense mediated decay, it is expected to alter mRNA translation or result in a truncated protein product.

Literature cited by the submitters: PubMed 15452297; PubMed 26886200; PubMed 27243974; PubMed 33332610.